The following is an entry in ClinVar:

NM_000346.4(SOX9):c.432-2A>C

Gene: SOX9 (SRY-box transcription factor 9; plus strand). Cytogenetic location: 17q24.3.
Variant type: single nucleotide variant.
Coding change: c.432-2A>C on transcript NM_000346.4 (MANE Select); the canonical splice acceptor site of the intron before coding-DNA position 432, A replaced by C.
Molecular consequence: splice acceptor variant.
Genome position (GRCh38, 1-based): chr17:72,122,717, A>C. VCF-style: chr17-72122717-A-C. GRCh37 (hg19) VCF-style: chr17-70118858-A-C.
Identifiers: ClinVar variation 2138102 (VCV002138102.4), dbSNP rs1908139210, ClinGen allele CA400866276.

ClinVar aggregate classification (germline): Pathogenic (1 of 4 stars; one submission).

Conditions:
Camptomelic dysplasia (CMPD). Also called: CMPD1/SRA1; Campomelic Dysplasia. Identifiers: Orphanet 140, MedGen C1861922, MONDO:0007251, OMIM 114290.

Submission:

Labcorp Genetics (formerly Invitae), Labcorp
Classification: Pathogenic for Camptomelic dysplasia. Last evaluated: 2024-02-24. Review status: criteria provided, single submitter. Criteria: Invitae Variant Classification Sherloc (09022015). Collection method: clinical testing. Allele origin: germline.
Comment: This sequence change affects an acceptor splice site in intron 1 of the SOX9 gene. It is expected to disrupt RNA splicing. Variants that disrupt the donor or acceptor splice site typically lead to a loss of protein function (PMID: 16199547), and loss-of-function variants in SOX9 are known to be pathogenic (PMID: 9002675, 11371614, 25983619). This variant is not present in population databases (gnomAD no frequency). Disruption of this splice site has been observed in individual(s) with campomelic dysplasia (PMID: 7485151). In at least one individual the variant was observed to be de novo. This variant is also known as intron 1 in HMG box; splice-acceptor dinucleotide AG to CG. ClinVar contains an entry for this variant (Variation ID: 2138102). Algorithms developed to predict the effect of sequence changes on RNA splicing suggest that this variant may disrupt the consensus splice site. For these reasons, this variant has been classified as Pathogenic.

Literature cited by the submitters: PubMed 16199547; PubMed 9002675; PubMed 11371614; PubMed 25983619; PubMed 7485151.